The following is an entry in ClinVar:

NM_020975.6(RET):c.2284+26C>T

Gene: RET (ret proto-oncogene; plus strand). Cytogenetic location: 10q11.21.
Variant type: single nucleotide variant.
Coding change: c.2284+26C>T on transcript NM_020975.6 (MANE Select); 26 bases into the intron after coding-DNA position 2284, C replaced by T.
Molecular consequence: intron variant.
Genome position (GRCh38, 1-based): chr10:43,116,757, C>T. VCF-style: chr10-43116757-C-T. GRCh37 (hg19) VCF-style: chr10-43612205-C-T.
Other names: c.2284+26C>T (NM_020630.7, NM_001406743.1, NM_001406744.1 and 2 more transcripts); c.2149+26C>T (NM_001406765.1, NM_001406763.1); c.1888+26C>T (NM_001406772.1, NM_001406769.1); c.1846+26C>T (NM_001406773.1, NM_001406771.1); c.1387+26C>T (NM_001406782.1, NM_001406780.1, NM_001406779.1 and 1 more transcripts); c.1252+26C>T (NM_001406787.1); c.1267+26C>T (NM_001406785.1); c.2155+26C>T (NM_001406764.1, NM_001406762.1, NM_001406761.1); and 10 more.
Identifiers: ClinVar variation 3053100 (VCV003053100.2), dbSNP rs2132911215, ClinGen allele CA2574532009.

ClinVar aggregate classification (germline): Likely benign (0 of 4 stars; one submission).

Conditions:
RET-related disorder. Also called: RET-related condition; RET-related disease; RET-related disorders.

Allele frequency attached by ClinVar (database versions not stated): gnomAD exomes below 0.00001.
gnomAD v4.1: 3 of 1,609,764 alleles (0.00019%); highest among the groups gnomAD compares: South Asian, 0.0011%; no homozygotes.

Submission:

PreventionGenetics, part of Exact Sciences
Classification: Likely benign for RET-related condition. Last evaluated: 2019-08-20. Review status: no assertion criteria provided. Collection method: clinical testing. Allele origin: germline.
Comment: This variant is classified as likely benign based on ACMG/AMP sequence variant interpretation guidelines (Richards et al. 2015 PMID: 25741868, with internal and published modifications).